The following is an entry in ClinVar:

ClinVar aggregate classification (germline): Pathogenic. Review status: criteria provided, multiple submitters, no conflicts (2 of 4 stars). 4 submissions from 4 submitters: Pathogenic (3). 1 of the submissions does not count toward it. Last evaluated 2023-11-04.

Conditions:
Retinal dystrophy. Also called: Inherited retinal dystrophy. Identifiers: Orphanet 71862, MedGen C0854723, MeSH D058499, MONDO:0019118, HP:0000556.
Usher syndrome type 2. Also called: Usher Syndrome Type II. Identifiers: Orphanet 231178, MedGen C0339534, MONDO:0016484.
Usher syndrome type 2A. Also called: RETINAL DISEASE IN USHER SYNDROME TYPE IIA, MODIFIER OF; USHER SYNDROME, TYPE IIA. Identifiers: Orphanet 231178, Orphanet 886, MedGen C1848634, MONDO:0010169, OMIM 276901.

Allele frequency attached by ClinVar (database versions not stated): gnomAD exomes below 0.00001.
gnomAD v4.1: 2 of 1,613,682 alleles (0.00012%); highest among the groups gnomAD compares: Non-Finnish European, 0.000085%; no homozygotes.

Submissions (4):

Genome-Nilou Lab
Classification: Pathogenic for Usher syndrome type 2A. Last evaluated: 2023-11-04. Review status: criteria provided, single submitter. Criteria: ACMG Guidelines, 2015. Collection method: clinical testing. Allele origin: germline. Affected: no.

Labcorp Genetics (formerly Invitae), Labcorp
Classification: Pathogenic. Last evaluated: 2023-04-25. Review status: criteria provided, single submitter. Criteria: Invitae Variant Classification Sherloc (09022015). Collection method: clinical testing. Allele origin: germline.
Comment: ClinVar contains an entry for this variant (Variation ID: 1069548). This premature translational stop signal has been observed in individual(s) with inherited retinal disease (PMID: 25133613). This variant is not present in population databases (gnomAD no frequency). This sequence change creates a premature translational stop signal (p.Tyr3745*) in the USH2A gene. It is expected to result in an absent or disrupted protein product. Loss-of-function variants in USH2A are known to be pathogenic (PMID: 10729113, 10909849, 20507924, 25649381). For these reasons, this variant has been classified as Pathogenic.

Institute of Medical Genetics and Applied Genomics, University Hospital Tübingen
Classification: Pathogenic for Usher syndrome type 2. Last evaluated: 2021-09-22. Review status: criteria provided, single submitter. Criteria: ACMG Guidelines, 2015. Collection method: clinical testing. Allele origin: germline. Inheritance: Autosomal recessive inheritance. Affected: yes.

Institute of Human Genetics, Univ. Regensburg, Univ. Regensburg
Classification: Pathogenic for Retinal dystrophy. Last evaluated: 2020-01-01. Review status: no assertion criteria provided. Criteria: ACMG Guidelines, 2015. Collection method: clinical testing. Allele origin: germline. Affected: yes. Not counted in ClinVar's aggregate classification.

Literature cited by the submitters: PubMed 25133613 (cited by Labcorp Genetics (formerly Invitae), Labcorp); PubMed 10729113 (cited by Labcorp Genetics (formerly Invitae), Labcorp); PubMed 10909849 (cited by Labcorp Genetics (formerly Invitae), Labcorp); PubMed 20507924 (cited by Labcorp Genetics (formerly Invitae), Labcorp); PubMed 25649381 (cited by Labcorp Genetics (formerly Invitae), Labcorp).

NM_206933.4(USH2A):c.11235C>A (p.Tyr3745Ter)

Gene: USH2A (usherin; minus strand). Cytogenetic location: 1q41.
Variant type: single nucleotide variant.
Coding change: c.11235C>A on transcript NM_206933.4 (MANE Select); coding-DNA position 11235, C replaced by A.
Protein change: p.Tyr3745Ter; replaces tyrosine 3745 with a stop codon.
Molecular consequence: nonsense.
Genome position (GRCh38, 1-based): chr1:215,758,749, G>T on the plus strand (C>A on the coding strand, the complement: USH2A is on the minus strand). VCF-style: chr1-215758749-G-T. GRCh37 (hg19) VCF-style: chr1-215932091-G-T.
Other names: short protein forms Y3745*.
Identifiers: ClinVar variation 1069548 (VCV001069548.11), dbSNP rs768062696, ClinGen allele CA344821353.